The following is an entry in ClinVar:

NM_021939.4(FKBP10):c.1322C>T (p.Thr441Met)

Gene: FKBP10 (FKBP prolyl isomerase 10; plus strand). Cytogenetic location: 17q21.2.
Variant type: single nucleotide variant.
Coding change: c.1322C>T on transcript NM_021939.4 (MANE Select); coding-DNA position 1322, C replaced by T.
Protein change: p.Thr441Met; replaces threonine 441 with methionine.
Molecular consequence: missense variant.
Genome position (GRCh38, 1-based): chr17:41,821,012, C>T. VCF-style: chr17-41821012-C-T. GRCh37 (hg19) VCF-style: chr17-39977264-C-T.
Other names: short protein forms T441M.
Identifiers: ClinVar variation 1476708 (VCV001476708.3), dbSNP rs577855172, ClinGen allele CA8566614.

ClinVar aggregate classification (germline): Uncertain significance (1 of 4 stars; one submission).

Allele frequency attached by ClinVar (database versions not stated): gnomAD 0.00001; gnomAD exomes 0.00002; ExAC 0.00003; 1000 Genomes Project 30x 0.00016; 1000 Genomes Project 0.00020.
gnomAD v4.1: 14 of 1,606,566 alleles (0.00087%); highest among the groups gnomAD compares: African/African-American, 0.0053%; no homozygotes.

Submission:

Labcorp Genetics (formerly Invitae), Labcorp
Classification: Uncertain significance. Last evaluated: 2022-03-11. Review status: criteria provided, single submitter. Criteria: Invitae Variant Classification Sherloc (09022015). Collection method: clinical testing. Allele origin: germline.
Comment: This sequence change replaces threonine, which is neutral and polar, with methionine, which is neutral and non-polar, at codon 441 of the FKBP10 protein (p.Thr441Met). This variant is present in population databases (rs577855172, gnomAD 0.007%). This variant has not been reported in the literature in individuals affected with FKBP10-related conditions. Algorithms developed to predict the effect of missense changes on protein structure and function (SIFT, PolyPhen-2, Align-GVGD) all suggest that this variant is likely to be tolerated. In summary, the available evidence is currently insufficient to determine the role of this variant in disease. Therefore, it has been classified as a Variant of Uncertain Significance.